The following is an entry in ClinVar:

NM_030665.4(RAI1):c.5673C>A (p.Ile1891=)

Gene: RAI1 (retinoic acid induced 1; plus strand). Cytogenetic location: 17p11.2.
Variant type: single nucleotide variant.
Coding change: c.5673C>A on transcript NM_030665.4 (MANE Select); coding-DNA position 5673, C replaced by A.
Protein change: p.Ile1891=; no amino-acid change (isoleucine 1891 retained).
Molecular consequence: synonymous variant.
Genome position (GRCh38, 1-based): chr17:17,809,403, C>A. VCF-style: chr17-17809403-C-A. GRCh37 (hg19) VCF-style: chr17-17712717-C-A.
Identifiers: ClinVar variation 3347198 (VCV003347198.1).

ClinVar aggregate classification (germline): Likely benign (0 of 4 stars; one submission).

Conditions:
RAI1-related disorder. Also called: RAI1-related condition.

gnomAD v4.1: 1 of 1,609,520 alleles (0.000062%); highest among the groups gnomAD compares: Non-Finnish European, 0.000085%; no homozygotes.

Submission:

PreventionGenetics, part of Exact Sciences
Classification: Likely benign for RAI1-related condition. Last evaluated: 2024-04-30. Review status: no assertion criteria provided. Collection method: clinical testing. Allele origin: germline.
Comment: This variant is classified as likely benign based on ACMG/AMP sequence variant interpretation guidelines (Richards et al. 2015 PMID: 25741868, with internal and published modifications).